The following is an entry in ClinVar:

ClinVar aggregate classification (germline): Uncertain significance (1 of 4 stars; one submission).

Allele frequency attached by ClinVar (database versions not stated): TOPMed below 0.00001; gnomAD exomes 0.00001.

Submission:

Ambry Genetics
Classification: Uncertain significance. Last evaluated: 2023-03-12. Review status: criteria provided, single submitter. Criteria: Ambry Variant Classification Scheme 2023. Collection method: clinical testing. Allele origin: germline.
Comment: The p.E1315G variant (also known as c.3944A>G), located in coding exon 8 of the MLH3 gene, results from an A to G substitution at nucleotide position 3944. The glutamic acid at codon 1315 is replaced by glycine, an amino acid with similar properties. This amino acid position is conserved. In addition, this alteration is predicted to be deleterious by in silico analysis. Since supporting evidence is limited at this time, the clinical significance of this alteration remains unclear.

NM_001040108.2(MLH3):c.3944A>G (p.Glu1315Gly)

Gene: MLH3 (mutL homolog 3; minus strand). Cytogenetic location: 14q24.3.
Variant type: single nucleotide variant.
Coding change: c.3944A>G on transcript NM_001040108.2 (MANE Select); coding-DNA position 3944, A replaced by G.
Protein change: p.Glu1315Gly; replaces glutamic acid 1315 with glycine.
Molecular consequence: missense variant.
Genome position (GRCh38, 1-based): chr14:75,030,586, T>C on the plus strand (A>G on the coding strand, the complement: MLH3 is on the minus strand). VCF-style: chr14-75030586-T-C. GRCh37 (hg19) VCF-style: chr14-75497289-T-C.
Other names: c.3872A>G, p.Glu1291Gly (NM_014381.3); short protein forms E1291G, E1315G.
Identifiers: ClinVar variation 2497065 (VCV002497065.2), dbSNP rs1319109662, ClinGen allele CA390422594.
Genomic context (GRCh38, chr14:75,030,586, plus strand): 5'-CTGCAGCTGTGTCTTACCTCCACAATACTCTTGGTCACAGTAGATCTTCCTCTCCGAAGT[T>C]CATTGGCTTCTCTTTCCACAAAACATAGTGGTACTTTTCCCACAAGGACCAGAGAATCAC-3'
Protein context (NP_001035197.1, residues 1305-1325): PLCFVEREAN[Glu1315Gly]LRRGRSTVTK